The following is an entry in ClinVar:

NM_000059.4(BRCA2):c.1783C>T (p.His595Tyr)

Gene: BRCA2 (BRCA2 DNA repair associated; plus strand). Cytogenetic location: 13q13.1.
Variant type: single nucleotide variant.
Coding change: c.1783C>T on transcript NM_000059.4 (MANE Select); coding-DNA position 1783, C replaced by T.
Protein change: p.His595Tyr; replaces histidine 595 with tyrosine.
Molecular consequence: missense variant.
Genome position (GRCh38, 1-based): chr13:32,333,261, C>T. VCF-style: chr13-32333261-C-T. GRCh37 (hg19) VCF-style: chr13-32907398-C-T.
Other names: short protein forms H595Y.
Identifiers: ClinVar variation 141648 (VCV000141648.15), dbSNP rs587781906, ClinGen allele CA013198.
Genomic context (GRCh38, chr13:32,333,261, plus strand): 5'-AAGAATGCAGGTTTAATATCCACTTTGAAAAAGAAAACAAATAAGTTTATTTATGCTATA[C>T]ATGATGAAACATCTTATAAAGGAAAAAAAATACCGAAAGACCAAAAATCAGAACTAATTA-3'
Protein context (NP_000050.3, residues 585-605): KKTNKFIYAI[His595Tyr]DETSYKGKKI

ClinVar aggregate classification (germline): Conflicting classifications of pathogenicity. Review status: criteria provided, conflicting classifications (1 of 4 stars). 3 submissions from 3 submitters: Uncertain significance (2); Likely benign (1). Last evaluated 2023-08-08.

Conditions:
Hereditary cancer-predisposing syndrome. Also called: Neoplastic Syndromes, Hereditary; Tumor predisposition; Hereditary Cancer Syndrome; Hereditary neoplastic syndrome. Identifiers: Orphanet 140162, MedGen C0027672, MeSH D009386, MONDO:0015356.
Hereditary breast ovarian cancer syndrome. Also called: Breast and ovarian cancer; Hereditary breast and ovarian cancer; Hereditary breast and/or ovarian cancer syndrome; BRCA1- and BRCA2-Associated Hereditary Breast and Ovarian Cancer; Hereditary breast and ovarian cancer syndrome; Hereditary breast and ovarian cancer syndrome (HBOC). Identifiers: Orphanet 145, MedGen C0677776, MeSH D061325, MONDO:0003582. Disease mechanism: loss of function.

Allele frequency attached by ClinVar (database versions not stated): gnomAD exomes below 0.00001; ExAC 0.00001.
gnomAD v4.1: 1 of 1,608,108 alleles (0.000062%); highest among the groups gnomAD compares: Admixed American, 0.0017%; no homozygotes.

Submissions (3):

Labcorp Genetics (formerly Invitae), Labcorp
Classification: Uncertain significance for Hereditary breast ovarian cancer syndrome. Last evaluated: 2023-08-08. Review status: criteria provided, single submitter. Criteria: Invitae Variant Classification Sherloc (09022015). Collection method: clinical testing. Allele origin: germline.
Comment: This variant is present in population databases (rs587781906, gnomAD 0.003%). This variant has not been reported in the literature in individuals affected with BRCA2-related conditions. Advanced modeling of protein sequence and biophysical properties (such as structural, functional, and spatial information, amino acid conservation, physicochemical variation, residue mobility, and thermodynamic stability) performed at Invitae indicates that this missense variant is not expected to disrupt BRCA2 protein function. This sequence change replaces histidine, which is basic and polar, with tyrosine, which is neutral and polar, at codon 595 of the BRCA2 protein (p.His595Tyr). In summary, the available evidence is currently insufficient to determine the role of this variant in disease. Therefore, it has been classified as a Variant of Uncertain Significance. ClinVar contains an entry for this variant (Variation ID: 141648).

University of Washington Department of Laboratory Medicine, University of Washington
Classification: Likely benign for Hereditary cancer-predisposing syndrome. Last evaluated: 2023-03-23. Review status: criteria provided, single submitter. Criteria: Dines et al. (Genet Med. 2020). Collection method: curation. Allele origin: germline.
Comment: Missense variant in a coldspot region where missense variants are very unlikely to be pathogenic (PMID:31911673).

BRCA2 exon 10 coldspot. Reclassification based on statistical prior probability.

Ambry Genetics
Classification: Uncertain significance for Hereditary cancer-predisposing syndrome. Last evaluated: 2020-01-15. Review status: criteria provided, single submitter. Criteria: Ambry Variant Classification Scheme 2023. Collection method: clinical testing. Allele origin: germline.
Comment: The p.H595Y variant (also known as c.1783C>T), located in coding exon 9 of the BRCA2 gene, results from a C to T substitution at nucleotide position 1783. The histidine at codon 595 is replaced by tyrosine, an amino acid with similar properties. This amino acid position is poorly conserved in available vertebrate species. In addition, this alteration is predicted to be tolerated by in silico analysis. Since supporting evidence is limited at this time, the clinical significance of this alteration remains unclear.